The following is an entry in ClinVar:

ClinVar aggregate classification (germline): Uncertain significance (1 of 4 stars; one submission).

Conditions:
CEP295-related condition.

Submission:

PreventionGenetics, part of Exact Sciences
Classification: Uncertain significance for CEP295-related condition. Last evaluated: 2025-11-22. Review status: criteria provided, single submitter. Criteria: ACMG Guidelines, 2015. Collection method: clinical testing. Allele origin: germline.
Comment: The CEP295 c.7550_7551delAA variant is predicted to result in a frameshift and premature protein termination (p.Lys2517Argfs*17). To our knowledge, this variant has not been reported in the literature. This variant is reported in 0.0060% of alleles in individuals of African descent in gnomAD. Although we suspect that this variant may be pathogenic, at this time, the clinical significance of this variant is uncertain due to the absence of conclusive functional and genetic evidence.

NM_033395.2(CEP295):c.7550_7551del (p.Lys2517fs)

Gene: CEP295 (centrosomal protein 295; plus strand). Cytogenetic location: 11q21.
Variant type: Deletion.
Coding change: c.7550_7551del on transcript NM_033395.2 (MANE Select); coding-DNA positions 7550 to 7551, 2 bases deleted (AA; older notation c.7550_7551delAA).
Protein change: p.Lys2517fs; shifts the reading frame from lysine 2517.
Molecular consequence: frameshift variant.
Genome position (GRCh38, 1-based): chr11:93,729,764-93,729,765, AA deleted; deleting any 2 consecutive bases within chr11:93,729,763-93,729,765 gives the same sequence; the c. name uses the placement nearest the transcript's 3' end. VCF-style (leftmost placement, unchanged base first): chr11-93729762-TAA-T. GRCh37 (hg19) VCF-style: chr11-93462928-TAA-T.
Other names: short protein forms K2517fs.
Identifiers: ClinVar variation 4990809 (VCV004990809.1).